The following is an entry in ClinVar:

ClinVar aggregate classification (germline): Likely pathogenic (1 of 4 stars; one submission).

Conditions:
Niemann-Pick disease, type C1. Also called: NEUROVISCERAL STORAGE DISEASE WITH VERTICAL SUPRANUCLEAR OPHTHALMOPLEGIA; NIEMANN-PICK DISEASE WITH CHOLESTEROL ESTERIFICATION BLOCK; NIEMANN-PICK DISEASE WITHOUT SPHINGOMYELINASE DEFICIENCY; NIEMANN-PICK DISEASE, CHRONIC NEURONOPATHIC FORM; NIEMANN-PICK DISEASE, VARIANT TYPE C1. Identifiers: Orphanet 646, MedGen C3179455, MONDO:0009757, OMIM 257220.

Submission:

Natera, Inc.
Classification: Likely pathogenic for Niemann-Pick disease type C1. Last evaluated: 2025-01-10. Review status: criteria provided, single submitter. Criteria: Natera Variant Classification Schema (03/2026). Collection method: clinical testing. Allele origin: germline.
Comment: The c.2071C>T variant in NPC1 is a missense variant predicted to cause substitution of proline to serine at amino acid 691. This variant is rare in the general population with a frequency below the threshold expected for the associated phenotype(s). This variant has been observed in one or more individuals affected with the associated recessive disease, as either homozygous or compound heterozygous with a second variant (PMID: 23433426). A different variant at the same position has been determined to be Pathogenic or Likely Pathogenic. Computational prediction algorithms indicate this variant is likely to affect gene or protein function. Given the available evidence, this variant is classified as Likely Pathogenic.

Literature cited by the submitters: PubMed 23433426.

NM_000271.5(NPC1):c.2071C>T (p.Pro691Ser)

Gene: NPC1 (NPC intracellular cholesterol transporter 1; minus strand). Cytogenetic location: 18q11.2.
Variant type: single nucleotide variant.
Coding change: c.2071C>T on transcript NM_000271.5 (MANE Select); coding-DNA position 2071, C replaced by T.
Protein change: p.Pro691Ser; replaces proline 691 with serine.
Molecular consequence: missense variant.
Genome position (GRCh38, 1-based): chr18:23,544,403, G>A on the plus strand (C>T on the coding strand, the complement: NPC1 is on the minus strand). VCF-style: chr18-23544403-G-A. GRCh37 (hg19) VCF-style: chr18-21124367-G-A.
Other names: short protein forms P691S.
Identifiers: ClinVar variation 4058983 (VCV004058983.2).